The following is an entry in ClinVar:

NM_001145252.3(CFP):c.530A>G (p.Gln177Arg)

Gene: CFP (complement factor properdin; minus strand). Cytogenetic location: Xp11.23.
Variant type: single nucleotide variant.
Coding change: c.530A>G on transcript NM_001145252.3 (MANE Select); coding-DNA position 530, A replaced by G.
Protein change: p.Gln177Arg; replaces glutamine 177 with arginine.
Molecular consequence: missense variant.
Genome position (GRCh38, 1-based): chrX:47,627,515, T>C on the plus strand (A>G on the coding strand, the complement: CFP is on the minus strand). VCF-style: chrX-47627515-T-C. GRCh37 (hg19) VCF-style: chrX-47486914-T-C.
Other names: c.530A>G, p.Gln177Arg (NM_002621.2); short protein forms Q177R.
Identifiers: ClinVar variation 1502159 (VCV001502159.5), dbSNP rs376333570, ClinGen allele CA10398947.

ClinVar aggregate classification (germline): Uncertain significance (1 of 4 stars; one submission).

Allele frequency attached by ClinVar (database versions not stated): gnomAD exomes 0.00002 and 0.00003; ExAC 0.00004; gnomAD 0.00007 and 0.00010; ESP Exome Variant Server 0.00009; TOPMed 0.00012.

Submission:

Labcorp Genetics (formerly Invitae), Labcorp
Classification: Uncertain significance. Last evaluated: 2025-10-21. Review status: criteria provided, single submitter. Criteria: Invitae Variant Classification Sherloc (09022015). Collection method: clinical testing. Allele origin: germline.
Comment: This sequence change replaces glutamine, which is neutral and polar, with arginine, which is basic and polar, at codon 177 of the CFP protein (p.Gln177Arg). This variant is present in population databases (rs376333570, gnomAD 0.03%). This variant has not been reported in the literature in individuals affected with CFP-related conditions. ClinVar contains an entry for this variant (Variation ID: 1502159). Invitae Evidence Modeling of protein sequence and biophysical properties (such as structural, functional, and spatial information, amino acid conservation, physicochemical variation, residue mobility, and thermodynamic stability) indicates that this missense variant is not expected to disrupt CFP protein function with a negative predictive value of 80%. In summary, the available evidence is currently insufficient to determine the role of this variant in disease. Therefore, it has been classified as a Variant of Uncertain Significance.